The following is an entry in ClinVar:

ClinVar aggregate classification (germline): Uncertain significance. Review status: criteria provided, multiple submitters, no conflicts (2 of 4 stars). 3 submissions from 3 submitters: Uncertain significance (2). 1 of the submissions does not count toward it. Last evaluated 2025-09-02.

Conditions:
Early-infantile DEE. Also called: Early infantile epileptic encephalopathy with suppression bursts; Early infantile epileptic encephalopathy; Ohtahara syndrome. Identifiers: Orphanet 1934, MedGen C0393706, MONDO:0800491.
SCN8A-related disorder.

Allele frequency attached by ClinVar (database versions not stated): ExAC 0.00001; gnomAD exomes 0.00001; TOPMed 0.00001; gnomAD 0.00003.
gnomAD v4.1: 5 of 1,613,998 alleles (0.00031%); highest among the groups gnomAD compares: Admixed American, 0.005%; no homozygotes.

Submissions (3):

Labcorp Genetics (formerly Invitae), Labcorp
Classification: Uncertain significance for Early-infantile DEE. Last evaluated: 2025-09-02. Review status: criteria provided, single submitter. Criteria: Invitae Variant Classification Sherloc (09022015). Collection method: clinical testing. Allele origin: germline.
Comment: This sequence change replaces valine, which is neutral and non-polar, with methionine, which is neutral and non-polar, at codon 1560 of the SCN8A protein (p.Val1560Met). This variant is present in population databases (rs764328953, gnomAD 0.009%). This variant has not been reported in the literature in individuals affected with SCN8A-related conditions. ClinVar contains an entry for this variant (Variation ID: 430073). Invitae Evidence Modeling of protein sequence and biophysical properties (such as structural, functional, and spatial information, amino acid conservation, physicochemical variation, residue mobility, and thermodynamic stability) indicates that this missense variant is expected to disrupt SCN8A protein function with a positive predictive value of 95%. In summary, the available evidence is currently insufficient to determine the role of this variant in disease. Therefore, it has been classified as a Variant of Uncertain Significance.

GeneDx
Classification: Uncertain significance. Last evaluated: 2017-05-16. Review status: criteria provided, single submitter. Criteria: GeneDx Variant Classification (06012015). Collection method: clinical testing. Allele origin: germline. Affected: yes.
Comment: A variant of uncertain significance has been identified in the SCN8A gene. The V1560M variant has not been published as a pathogenic variant, nor has it been reported as a benign variant to our knowledge. The V1560M variant is not observed at a significant frequency in large population cohorts (Lek et al., 2016; 1000 Genomes Consortium et al., 2015; Exome Variant Server). The V1560M variant is a conservative amino acid substitution, which is not likely to impact secondary protein structure as these residues share similar properties. This substitution occurs at a position where amino acids with similar properties to Valine are tolerated across species and is predicted to be within the transmembrane segment S2 of the fourth homologous domain. However, missense variants in nearby residues have not been reported in the Human Gene Mutation Database in association with SCN8A-related disorders (Stenson et al., 2014). Therefore, based on the currently available information, it is unclear whether this variant is a pathogenic variant or a rare benign variant.

PreventionGenetics, part of Exact Sciences
Classification: Uncertain significance for SCN8A-related condition. Last evaluated: 2024-02-22. Review status: no assertion criteria provided. Collection method: clinical testing. Allele origin: germline. Not counted in ClinVar's aggregate classification.
Comment: The SCN8A c.4678G>A variant is predicted to result in the amino acid substitution p.Val1560Met. To our knowledge, this variant has not been reported in the literature. This variant is reported in 0.0085% of alleles in individuals of Latino descent in gnomAD. At this time, the clinical significance of this variant is uncertain due to the absence of conclusive functional and genetic evidence.

NM_001330260.2(SCN8A):c.4678G>A (p.Val1560Met)

Gene: SCN8A (sodium voltage-gated channel alpha subunit 8; plus strand). Cytogenetic location: 12q13.13.
Variant type: single nucleotide variant.
Coding change: c.4678G>A on transcript NM_001330260.2 (MANE Select); coding-DNA position 4678, G replaced by A.
Protein change: p.Val1560Met; replaces valine 1560 with methionine.
Molecular consequence: missense variant.
Genome position (GRCh38, 1-based): chr12:51,794,524, G>A. VCF-style: chr12-51794524-G-A. GRCh37 (hg19) VCF-style: chr12-52188308-G-A.
Other names: c.4555G>A, p.Val1519Met (NM_001177984.3, NM_001369788.1); c.4678G>A, p.Val1560Met (NM_014191.4); short protein forms V1560M, V1519M.
Identifiers: ClinVar variation 430073 (VCV000430073.10), dbSNP rs764328953, ClinGen allele CA6571848.